The following is an entry in ClinVar:

NM_007294.4(BRCA1):c.1219G>A (p.Ala407Thr)

Gene: BRCA1 (BRCA1 DNA repair associated; minus strand). Cytogenetic location: 17q21.31.
Variant type: single nucleotide variant.
Coding change: c.1219G>A on transcript NM_007294.4 (MANE Select); coding-DNA position 1219, G replaced by A.
Protein change: p.Ala407Thr; replaces alanine 407 with threonine.
Molecular consequence: missense variant. On other transcripts: intron variant (137).
Genome position (GRCh38, 1-based): chr17:43,094,312, C>T on the plus strand (G>A on the coding strand, the complement: BRCA1 is on the minus strand). VCF-style: chr17-43094312-C-T. GRCh37 (hg19) VCF-style: chr17-41246329-C-T.
Other names: c.1216G>A, p.Ala406Thr (NM_001407613.1, NM_001407614.1, NM_001407615.1 and 22 more transcripts); c.1219G>A, p.Ala407Thr (NM_001407616.1, NM_001407617.1, NM_001407618.1 and 30 more transcripts); c.1210G>A, p.Ala404Thr (NM_001407646.1, NM_001407647.1); c.1096G>A, p.Ala366Thr (NM_001407648.1, NM_001407919.1, NM_001407937.1 and 19 more transcripts); c.1093G>A, p.Ala365Thr (NM_001407649.1, NM_001407940.1, NM_001407941.1 and 11 more transcripts); c.1006G>A, p.Ala336Thr (NM_001407916.1, NM_001407917.1, NM_001407918.1 and 9 more transcripts); c.955G>A, p.Ala319Thr (NM_001407920.1, NM_001407921.1, NM_001407922.1 and 9 more transcripts); c.952G>A, p.Ala318Thr (NM_001407930.1, NM_001407931.1, NM_001407932.1 and 2 more transcripts); and 40 more; short protein forms A407T, A360T, A280T, A296T, A340T, A365T, A366T, A239T.
Identifiers: ClinVar variation 1035312 (VCV001035312.12), dbSNP rs2053973967, ClinGen allele CA10599613.
Genomic context (GRCh38, chr17:43,094,312, plus strand): 5'-CTGAAGAACCAGAATATTCATCTACCTCATTTAGAACGTCCAATACATCAGCTACTTTGG[C>T]ATTTGATTCAGACTCCCCATCATGTGAGTCATCAGAACCTAACAGTTCATCACTTCTGGA-3'
Protein context (NP_009225.1, residues 397-417): DSHDGESESN[Ala407Thr]KVADVLDVLN

ClinVar aggregate classification (germline): Conflicting classifications of pathogenicity. Review status: criteria provided, conflicting classifications (1 of 4 stars). 2 submissions from 2 submitters: Uncertain significance (1); Likely benign (1). Last evaluated 2023-03-23.

Conditions:
Hereditary cancer-predisposing syndrome. Also called: Hereditary neoplastic syndrome; Neoplastic Syndromes, Hereditary; Tumor predisposition; Hereditary Cancer Syndrome. Identifiers: Orphanet 140162, MedGen C0027672, MeSH D009386, MONDO:0015356.
Hereditary breast ovarian cancer syndrome. Also called: Hereditary breast and ovarian cancer syndrome; Hereditary breast and/or ovarian cancer syndrome; Hereditary breast and ovarian cancer; Hereditary breast and ovarian cancer syndrome (HBOC); Breast and ovarian cancer; BRCA1- and BRCA2-Associated Hereditary Breast and Ovarian Cancer. Identifiers: Orphanet 145, MedGen C0677776, MeSH D061325, MONDO:0003582. Disease mechanism: loss of function.

Submissions (2):

University of Washington Department of Laboratory Medicine, University of Washington
Classification: Likely benign for Hereditary cancer-predisposing syndrome. Last evaluated: 2023-03-23. Review status: criteria provided, single submitter. Criteria: Dines et al. (Genet Med. 2020). Collection method: curation. Allele origin: germline.
Comment: Missense variant in a coldspot region where missense variants are very unlikely to be pathogenic (PMID:31911673).

BRCA1 coldspot (exon 11 using historical exon numbering). Reclassification based on statistical prior probability

Labcorp Genetics (formerly Invitae), Labcorp
Classification: Uncertain significance for Hereditary breast ovarian cancer syndrome. Last evaluated: 2020-09-29. Review status: criteria provided, single submitter. Criteria: Invitae Variant Classification Sherloc (09022015). Collection method: clinical testing. Allele origin: germline.
Comment: This variant has not been reported in the literature in individuals with BRCA1-related conditions. Advanced modeling of protein sequence and biophysical properties (such as structural, functional, and spatial information, amino acid conservation, physicochemical variation, residue mobility, and thermodynamic stability) performed at Invitae indicates that this missense variant is not expected to disrupt BRCA1 protein function. In summary, the available evidence is currently insufficient to determine the role of this variant in disease. Therefore, it has been classified as a Variant of Uncertain Significance. This variant is not present in population databases (ExAC no frequency). This sequence change replaces alanine with threonine at codon 407 of the BRCA1 protein (p.Ala407Thr). The alanine residue is moderately conserved and there is a small physicochemical difference between alanine and threonine.